The following is an entry in ClinVar:

ClinVar aggregate classification (germline): Likely benign. Review status: criteria provided, multiple submitters, no conflicts (2 of 4 stars). 2 submissions from 2 submitters: Likely benign (2). Last evaluated 2026-05-01.

Conditions:
Dilated cardiomyopathy 1G (CMD1G). Identifiers: Orphanet 154, MedGen C1858763, MONDO:0011400, OMIM 604145.
Autosomal recessive limb-girdle muscular dystrophy type 2J (LGMDR10). Also called: Limb-girdle muscular dystrophy, type 2J; MUSCULAR DYSTROPHY, LIMB-GIRDLE, AUTOSOMAL RECESSIVE 10. Identifiers: Orphanet 140922, MedGen C1837342, MONDO:0012127, OMIM 608807.

Allele frequency attached by ClinVar (database versions not stated): gnomAD exomes below 0.00001.
gnomAD v4.1: 1 of 1,612,470 alleles (0.000062%); highest among the groups gnomAD compares: Admixed American, 0.0017%; no homozygotes.

Submissions (2):

CeGaT Center for Human Genetics Tuebingen
Classification: Likely benign. Last evaluated: 2026-05-01. Review status: criteria provided, single submitter. Criteria: CeGaT Center For Human Genetics Tuebingen Variant Classification Criteria Version 2. Collection method: clinical testing. Allele origin: germline. Affected: yes. Observed: 1 variant allele.
Comment: TTN: BP4, BP7

Labcorp Genetics (formerly Invitae), Labcorp
Classification: Likely benign for Dilated cardiomyopathy 1G; Autosomal recessive limb-girdle muscular dystrophy type 2J. Last evaluated: 2025-08-04. Review status: criteria provided, single submitter. Criteria: Invitae Variant Classification Sherloc (09022015). Collection method: clinical testing. Allele origin: germline.

NM_001267550.2(TTN):c.46998G>C (p.Val15666=)

Genes: TTN (titin; minus strand), TTN-AS1 (TTN antisense RNA 1; plus strand). Cytogenetic location: 2q31.2.
Variant type: single nucleotide variant.
Coding change: c.46998G>C on transcript NM_001267550.2 (MANE Select); coding-DNA position 46998, G replaced by C.
Protein change: p.Val15666=; no amino-acid change (valine 15666 retained).
Molecular consequence: synonymous variant.
Genome position (GRCh38, 1-based): chr2:178,618,460, C>G on the plus strand (G>C on the coding strand, the complement: TTN is on the minus strand). VCF-style: chr2-178618460-C-G. GRCh37 (hg19) VCF-style: chr2-179483187-C-G.
Other names: c.42075G>C, p.Val14025= (NM_001256850.1); c.19803G>C, p.Val6601= (NM_003319.4); c.39294G>C, p.Val13098= (NM_133378.4); c.20178G>C, p.Val6726= (NM_133432.3); c.20379G>C, p.Val6793= (NM_133437.4).
Identifiers: ClinVar variation 2191917 (VCV002191917.6), dbSNP rs1187250914, ClinGen allele CA430274734.